The following is an entry in ClinVar:

NM_001009944.3(PKD1):c.11913_11916dup (p.Arg3973fs)

Gene: PKD1 (polycystin 1, transient receptor potential channel interacting; minus strand). Cytogenetic location: 16p13.3.
Variant type: Microsatellite.
Coding change: c.11913_11916dup on transcript NM_001009944.3 (MANE Select); coding-DNA positions 11913 to 11916, 4 bases duplicated (GCGC; older notation c.11913_11916dupGCGC).
Protein change: p.Arg3973fs; shifts the reading frame from arginine 3973.
Molecular consequence: frameshift variant.
Genome position (GRCh38, 1-based): chr16:2,090,971-2,090,974, GCGC duplicated on the plus strand (GCGC on the coding strand, the reverse complement: PKD1 is on the minus strand); duplicating any 4 consecutive bases within chr16:2,090,971-2,090,975 gives the same sequence; the c. name uses the placement nearest the transcript's 3' end. VCF-style (leftmost placement, unchanged base first): chr16-2090970-G-GGCGC. GRCh37 (hg19) VCF-style: chr16-2140971-G-GGCGC.
Other names: c.11910_11913dup, p.Arg3972fs (NM_000296.4); short protein forms R3972fs, R3973fs.
Identifiers: ClinVar variation 3382773 (VCV003382773.2).

ClinVar aggregate classification (germline): Pathogenic (1 of 4 stars; one submission).

Conditions:
Polycystic kidney disease, adult type (PKD1). Also called: POLYCYSTIC KIDNEY DISEASE, ADULT, TYPE I; Polycystic Kidney Disease 1, Autosomal Dominant; Polycystic kidney disease 1; Polycystic kidney disease 1, severe; Polycystic Kidney, Autosomal Dominant; POLYCYSTIC KIDNEY DISEASE 1 WITH OR WITHOUT POLYCYSTIC LIVER DISEASE. Identifiers: MedGen C3149841, MONDO:0008263, OMIM 173900.

Submission:

Juno Genomics, Hangzhou Juno Genomics, Inc
Classification: Pathogenic for Polycystic kidney disease, adult type. Review status: criteria provided, single submitter. Criteria: ACMG Guidelines, 2015. Collection method: clinical testing. Allele origin: germline. Affected: yes.
Comment: Null variant in a gene where loss of function (LOF) is a known mechanism of disease.;Absent from controls (or at extremely low frequency if recessive) in Genome Aggregation Database, Exome Sequencing Project, 1000 Genomes Project, or Exome Aggregation Consortium.;Patient's phenotype or family history is highly specific for a disease with a single genetic etiology.